The following is an entry in ClinVar:

ClinVar aggregate classification (germline): Uncertain significance. Review status: criteria provided, multiple submitters, no conflicts (2 of 4 stars). 2 submissions from 2 submitters: Uncertain significance (2). Last evaluated 2025-06-13.

Allele frequency attached by ClinVar (database versions not stated): gnomAD 0.00012; TOPMed 0.00014; 1000 Genomes Project 30x 0.00016; 1000 Genomes Project 0.00020.
gnomAD v4.1: 34 of 1,612,558 alleles (0.0021%); highest among the groups gnomAD compares: African/African-American, 0.031%; no homozygotes.

Submissions (2):

GeneDx
Classification: Uncertain significance. Last evaluated: 2025-06-13. Review status: criteria provided, single submitter. Criteria: GeneDx Variant Classification Process June 2021. Collection method: clinical testing. Allele origin: germline. Affected: yes.
Comment: In silico analysis supports that this missense variant has a deleterious effect on protein structure/function; Has not been previously published as pathogenic or benign to our knowledge

Labcorp Genetics (formerly Invitae), Labcorp
Classification: Uncertain significance. Last evaluated: 2022-07-06. Review status: criteria provided, single submitter. Criteria: Invitae Variant Classification Sherloc (09022015). Collection method: clinical testing. Allele origin: germline.
Comment: In summary, the available evidence is currently insufficient to determine the role of this variant in disease. Therefore, it has been classified as a Variant of Uncertain Significance. Algorithms developed to predict the effect of missense changes on protein structure and function are either unavailable or do not agree on the potential impact of this missense change (SIFT: "Deleterious"; PolyPhen-2: "Benign"; Align-GVGD: "Class C35"). This variant has not been reported in the literature in individuals affected with NDUFA2-related conditions. This variant is present in population databases (rs563223074, gnomAD 0.04%). This sequence change replaces serine, which is neutral and polar, with tryptophan, which is neutral and slightly polar, at codon 27 of the NDUFA2 protein (p.Ser27Trp).

NM_002488.5(NDUFA2):c.80C>G (p.Ser27Trp)

Genes: NDUFA2 (NADH:ubiquinone oxidoreductase subunit A2; minus strand), TMCO6 (transmembrane and coiled-coil domains 6; plus strand). Cytogenetic location: 5q31.3.
Variant type: single nucleotide variant.
Coding change: c.80C>G on transcript NM_002488.5 (MANE Select); coding-DNA position 80, C replaced by G.
Protein change: p.Ser27Trp; replaces serine 27 with tryptophan.
Molecular consequence: missense variant. On other transcripts: non-coding transcript variant (1).
Genome position (GRCh38, 1-based): chr5:140,647,504, G>C on the plus strand (C>G on the coding strand, the complement: NDUFA2 is on the minus strand). VCF-style: chr5-140647504-G-C. GRCh37 (hg19) VCF-style: chr5-140027089-G-C.
Other names: c.80C>G, p.Ser27Trp (NM_001185012.2); c.80C>G (NM_002488.4); short protein forms S27W.
Identifiers: ClinVar variation 2082076 (VCV002082076.3), dbSNP rs563223074, ClinGen allele CA3442555.